The following is an entry in ClinVar:

NM_000410.4(HFE):c.616+1G>T

Gene: HFE (homeostatic iron regulator; plus strand). Cytogenetic location: 6p22.2.
Variant type: single nucleotide variant.
Coding change: c.616+1G>T on transcript NM_000410.4 (MANE Select); the canonical splice donor site of the intron after coding-DNA position 616, G replaced by T.
Molecular consequence: splice donor variant. On other transcripts: intron variant (4).
Genome position (GRCh38, 1-based): chr6:26,091,590, G>T. VCF-style: chr6-26091590-G-T. GRCh37 (hg19) VCF-style: chr6-26091818-G-T.
Other names: c.616+1G>T (NM_001406751.1, NM_001384164.1, NM_001300749.3 and 1 more transcripts); c.340+486G>T (NM_139004.3, NM_139003.3); c.547+1G>T (NM_139009.3); c.352+1G>T (NM_139007.3, NM_001406752.1, NM_139008.3); c.77-1095G>T (NM_139010.3); c.77-1529G>T (NM_139011.3).
Identifiers: ClinVar variation 2054741 (VCV002054741.5), dbSNP rs773443949, ClinGen allele CA3666676.

ClinVar aggregate classification (germline): Pathogenic. Review status: criteria provided, multiple submitters, no conflicts (2 of 4 stars). 2 submissions from 2 submitters: Pathogenic (2). Last evaluated 2025-08-13.

Conditions:
Hemochromatosis type 1 (HFE1). Also called: HFE-Associated Hereditary Hemochromatosis; HFE-Related Hemochromatosis. Identifiers: Orphanet 465508, MedGen C3469186, MONDO:0021001, OMIM 235200. Disease mechanism: loss of function.
Hereditary hemochromatosis (HFE). Identifiers: MedGen C0392514, MONDO:0006507. Disease mechanism: loss of function.

Allele frequency attached by ClinVar (database versions not stated): ExAC 0.00001; gnomAD exomes 0.00002.
gnomAD v4.1: 26 of 1,612,630 alleles (0.0016%); highest among the groups gnomAD compares: Non-Finnish European, 0.0021%; no homozygotes.

Submissions (2):

Labcorp Genetics (formerly Invitae), Labcorp
Classification: Pathogenic for Hereditary hemochromatosis. Last evaluated: 2025-08-13. Review status: criteria provided, single submitter. Criteria: Invitae Variant Classification Sherloc (09022015). Collection method: clinical testing. Allele origin: germline.
Comment: This sequence change affects a donor splice site in intron 3 of the HFE gene. It is expected to disrupt RNA splicing. Variants that disrupt the donor or acceptor splice site typically lead to a loss of protein function (PMID: 16199547), and loss-of-function variants in HFE are known to be pathogenic (PMID: 27518069). The frequency data for this variant in the population databases is considered unreliable, as metrics indicate poor data quality at this position in the gnomAD database. Disruption of this splice site has been observed in individual(s) with hereditary hemochromatosis (PMID: 10348824). In at least one individual the data is consistent with being in trans (on the opposite chromosome) from a pathogenic variant. ClinVar contains an entry for this variant (Variation ID: 2054741). Algorithms developed to predict the effect of sequence changes on RNA splicing suggest that this variant may disrupt the consensus splice site. For these reasons, this variant has been classified as Pathogenic.

Clinical Genomics Laboratory, Stanford Medicine
Classification: Pathogenic for Hemochromatosis type 1. Last evaluated: 2022-12-20. Review status: criteria provided, single submitter. Criteria: ACMG Guidelines, 2015. Collection method: clinical testing. Allele origin: germline. Inheritance: Autosomal recessive inheritance. Observed: 1 variant allele, 1 heterozygote.
Comment: The c.616+1G>T variant in the HFE gene has been previously reported in at least 1 individual with hemochromatosis and co-segregated with disease in 1 affected relative (PMID: 10348824). This variant was determined to be in trans with a pathogenic variant (p.Cys282Tyr), consistent with autosomal recessive inheritance. The presence of this variant with an established disease-causing variant on the opposite allele increases suspicion for its pathogenicity (PMID: 10348824). This variant also been identified in 1/111,136 European (non-Finnish) chromosomes by the Genome Aggregation Database. Functional studies demonstrate that this variant affects the splice junction and leads to exon skipping (PMID: 10348824). Loss of function is an established mechanism of disease for the HFE gene. These data were assessed using the ACMG/AMP variant interpretation guidelines. In summary, there is sufficient evidence to classify the c.616+1G>T variant as pathogenic for autosomal recessive HFE hemochromatosis based on the information above. [ACMG evidence codes used: PVS1; PM2; PM3]

Literature cited by the submitters: PubMed 16199547 (cited by Labcorp Genetics (formerly Invitae), Labcorp); PubMed 27518069 (cited by Labcorp Genetics (formerly Invitae), Labcorp); PubMed 10348824 (cited by Labcorp Genetics (formerly Invitae), Labcorp and Clinical Genomics Laboratory, Stanford Medicine).